The following is an entry in ClinVar:

ClinVar aggregate classification (germline): Uncertain significance (1 of 4 stars; one submission).

Conditions:
Hereditary cancer-predisposing syndrome. Also called: Hereditary Cancer Syndrome; Hereditary neoplastic syndrome; Neoplastic Syndromes, Hereditary; Tumor predisposition. Identifiers: Orphanet 140162, MedGen C0027672, MeSH D009386, MONDO:0015356.

gnomAD v4.1: 1 of 1,530,324 alleles (0.000065%); highest among the groups gnomAD compares: Non-Finnish European, 0.000091%; no homozygotes.

Submission:

Ambry Genetics
Classification: Uncertain significance for Hereditary cancer-predisposing syndrome. Last evaluated: 2025-06-22. Review status: criteria provided, single submitter. Criteria: Ambry Variant Classification Scheme 2023. Collection method: clinical testing. Allele origin: germline.
Comment: The p.I191T variant (also known as c.572T>C), located in coding exon 6 of the EPCAM gene, results from a T to C substitution at nucleotide position 572. The isoleucine at codon 191 is replaced by threonine, an amino acid with similar properties. This amino acid position is conserved. In addition, this alteration is predicted to be deleterious by in silico analysis. Based on the available evidence, the clinical significance of this variant remains unclear.

NM_002354.3(EPCAM):c.572T>C (p.Ile191Thr)

Gene: EPCAM (epithelial cell adhesion molecule; plus strand). Cytogenetic location: 2p21.
Variant type: single nucleotide variant.
Coding change: c.572T>C on transcript NM_002354.3 (MANE Select); coding-DNA position 572, T replaced by C.
Protein change: p.Ile191Thr; replaces isoleucine 191 with threonine.
Molecular consequence: missense variant.
Genome position (GRCh38, 1-based): chr2:47,378,969, T>C. VCF-style: chr2-47378969-T-C. GRCh37 (hg19) VCF-style: chr2-47606108-T-C.
Other names: short protein forms I191T.
Identifiers: ClinVar variation 4249676 (VCV004249676.1).